The following is an entry in ClinVar:

NM_014629.4(ARHGEF10):c.141A>C (p.Pro47=)

Gene: ARHGEF10 (Rho guanine nucleotide exchange factor 10; plus strand). Cytogenetic location: 8p23.3.
Variant type: single nucleotide variant.
Coding change: c.141A>C on transcript NM_014629.4 (MANE Select); coding-DNA position 141, A replaced by C.
Protein change: p.Pro47=; no amino-acid change (proline 47 retained).
Molecular consequence: synonymous variant.
Genome position (GRCh38, 1-based): chr8:1,858,063, A>C. VCF-style: chr8-1858063-A-C. GRCh37 (hg19) VCF-style: chr8-1806229-A-C.
Other names: c.141A>C, p.Pro47= (NM_001308152.2, NM_001308153.3).
Identifiers: ClinVar variation 522266 (VCV000522266.15), dbSNP rs4875950, ClinGen allele CA4599603.

ClinVar aggregate classification (germline): Benign. Review status: criteria provided, multiple submitters, no conflicts (2 of 4 stars). 5 submissions from 5 submitters: Benign (3). 2 of the submissions do not count toward it. Last evaluated 2026-02-02.

Conditions:
ARHGEF10-related disorder. Also called: ARHGEF10-related condition.
Autosomal dominant slowed nerve conduction velocity. Identifiers: Orphanet 140481, MedGen C1842357, MONDO:0011998, OMIM 608236.

Allele frequency attached by ClinVar (database versions not stated): TOPMed 0.29711; 1000 Genomes Project 0.30571; 1000 Genomes Project 30x 0.31012; ESP Exome Variant Server 0.29755.
gnomAD v4.1: 482,527 of 1,613,700 alleles (30%); highest among the groups gnomAD compares: South Asian, 43%; 73,456 homozygotes.

Submissions (5):

Labcorp Genetics (formerly Invitae), Labcorp
Classification: Benign. Last evaluated: 2026-02-02. Review status: criteria provided, single submitter. Criteria: Invitae Variant Classification Sherloc (09022015). Collection method: clinical testing. Allele origin: germline.

Genome Diagnostics Laboratory, University Medical Center Utrecht
Classification: Benign for Autosomal dominant slowed nerve conduction velocity. Last evaluated: 2017-07-28. Review status: criteria provided, single submitter. Criteria: ACGS Guidelines, 2013. Collection method: clinical testing. Allele origin: germline. Affected: yes. Study: VKGL Data-share Consensus.

Breakthrough Genomics
Classification: Benign. Review status: criteria provided, single submitter. Criteria: ACMG Guidelines, 2015. Collection method: not provided. Allele origin: germline. Inheritance: Autosomal dominant inheritance. Affected: yes.

PreventionGenetics, part of Exact Sciences
Classification: Benign for ARHGEF10-related condition. Last evaluated: 2019-03-18. Review status: no assertion criteria provided. Collection method: clinical testing. Allele origin: germline. Not counted in ClinVar's aggregate classification.
Comment: This variant is classified as benign based on ACMG/AMP sequence variant interpretation guidelines (Richards et al. 2015 PMID: 25741868, with internal and published modifications).

Clinical Genetics, Academic Medical Center
Classification: Benign. Review status: no assertion criteria provided. Collection method: clinical testing. Allele origin: germline. Affected: yes. Study: VKGL Data-share Consensus. Not counted in ClinVar's aggregate classification.